The following is an entry in ClinVar:

NM_138694.4(PKHD1):c.2408-1G>A

Gene: PKHD1 (PKHD1 ciliary IPT domain containing fibrocystin/polyductin; minus strand). Cytogenetic location: 6p12.2.
Variant type: single nucleotide variant.
Coding change: c.2408-1G>A on transcript NM_138694.4 (MANE Select); the canonical splice acceptor site of the intron before coding-DNA position 2408, G replaced by A.
Molecular consequence: splice acceptor variant.
Genome position (GRCh38, 1-based): chr6:52,046,189, C>T on the plus strand (G>A on the coding strand, the complement: PKHD1 is on the minus strand). VCF-style: chr6-52046189-C-T. GRCh37 (hg19) VCF-style: chr6-51910987-C-T.
Other names: c.2408-1G>A (NM_170724.3).
Identifiers: ClinVar variation 4997287 (VCV004997287.1).

ClinVar aggregate classification (germline): Likely pathogenic (1 of 4 stars; one submission).

Conditions:
PKHD1-related disorder. Also called: PKHD1-related condition.

Submission:

PreventionGenetics, part of Exact Sciences
Classification: Likely pathogenic for PKHD1-related condition. Last evaluated: 2025-01-27. Review status: criteria provided, single submitter. Criteria: ACMG Guidelines, 2015. Collection method: clinical testing. Allele origin: germline.
Comment: The PKHD1 c.2408-1G>A variant is predicted to disrupt the AG splice acceptor site and interfere with normal splicing. To our knowledge, this variant has not been reported in the literature or in a large population database (gnomAD), indicating this variant is rare. Variants that disrupt the consensus splice acceptor site in PKHD1 are expected to be pathogenic. This variant is interpreted as likely pathogenic.